The following is an entry in ClinVar:

NM_005045.4(RELN):c.2465+5G>T

Gene: RELN (reelin; minus strand). Cytogenetic location: 7q22.1.
Variant type: single nucleotide variant.
Coding change: c.2465+5G>T on transcript NM_005045.4 (MANE Select); 5 bases into the intron after coding-DNA position 2465, G replaced by T.
Molecular consequence: intron variant.
Genome position (GRCh38, 1-based): chr7:103,635,420, C>A on the plus strand (G>T on the coding strand, the complement: RELN is on the minus strand). VCF-style: chr7-103635420-C-A. GRCh37 (hg19) VCF-style: chr7-103275867-C-A.
Other names: c.2465+5G>T (NM_173054.3).
Identifiers: ClinVar variation 1032969 (VCV001032969.5), dbSNP rs772717691, ClinGen allele CA4422001.
Genomic context (GRCh38, chr7:103,635,420, plus strand): 5'-AATTATGATTTCCCCAGGAGAAGATTTCACTCTACAACCATTTTTCCAAATGCTTTCCAA[C>A]ATACCTGGGCTCATGATAGCTGAGATATGAATAATGCTCCAGGAGTTTCCAAGTTATCCC-3'

ClinVar aggregate classification (germline): Uncertain significance. Review status: criteria provided, multiple submitters, no conflicts (2 of 4 stars). 2 submissions from 2 submitters: Uncertain significance (2). Last evaluated 2024-05-07.

Conditions:
Norman-Roberts syndrome (LIS2). Also called: Lissencephaly 2 (Norman-Roberts type). Identifiers: Orphanet 89844, MedGen C0796089, MONDO:0009760, OMIM 257320.
Familial temporal lobe epilepsy 7. Identifiers: Orphanet 101046, MedGen C4225327, MONDO:0014639, OMIM 616436.

Allele frequency attached by ClinVar (database versions not stated): gnomAD 0.00001; TOPMed 0.00001; ExAC 0.00004; gnomAD exomes 0.00004.
gnomAD v4.1: 12 of 1,613,640 alleles (0.00074%); highest among the groups gnomAD compares: Admixed American, 0.02%; no homozygotes.

Submissions (2):

Labcorp Genetics (formerly Invitae), Labcorp
Classification: Uncertain significance for Familial temporal lobe epilepsy 7; Norman-Roberts syndrome. Last evaluated: 2024-05-07. Review status: criteria provided, single submitter. Criteria: Invitae Variant Classification Sherloc (09022015). Collection method: clinical testing. Allele origin: germline.
Comment: This sequence change falls in intron 19 of the RELN gene. It does not directly change the encoded amino acid sequence of the RELN protein. It affects a nucleotide within the consensus splice site. This variant is present in population databases (rs772717691, gnomAD 0.03%). This variant has not been reported in the literature in individuals affected with RELN-related conditions. ClinVar contains an entry for this variant (Variation ID: 1032969). Variants that disrupt the consensus splice site are a relatively common cause of aberrant splicing (PMID: 17576681, 9536098). Algorithms developed to predict the effect of sequence changes on RNA splicing suggest that this variant may disrupt the consensus splice site. In summary, the available evidence is currently insufficient to determine the role of this variant in disease. Therefore, it has been classified as a Variant of Uncertain Significance.

Baylor Genetics
Classification: Uncertain significance for Norman-Roberts syndrome. Last evaluated: 2018-02-23. Review status: criteria provided, single submitter. Criteria: ACMG Guidelines, 2015. Collection method: clinical testing. Allele origin: maternal. Affected: yes.
Comment: This variant was determined to be of uncertain significance according to ACMG Guidelines, 2015 [PMID:25741868].

Literature cited by the submitters: PubMed 17576681 (cited by Labcorp Genetics (formerly Invitae), Labcorp); PubMed 9536098 (cited by Labcorp Genetics (formerly Invitae), Labcorp).